The following is an entry in ClinVar:

ClinVar aggregate classification (germline): Uncertain significance (1 of 4 stars; one submission).

Conditions:
Familial thoracic aortic aneurysm and aortic dissection (TAAD). Also called: Thoracic aortic aneurysms and dissections. Identifiers: Orphanet 91387, MedGen C4707243, MONDO:0019625.

Submission:

Ambry Genetics
Classification: Uncertain significance for Familial thoracic aortic aneurysm and aortic dissection. Last evaluated: 2022-06-19. Review status: criteria provided, single submitter. Criteria: Ambry Variant Classification Scheme 2023. Collection method: clinical testing. Allele origin: germline.
Comment: The p.M1737T variant (also known as c.5210T>C), located in coding exon 28 of the NOTCH1 gene, results from a T to C substitution at nucleotide position 5210. The methionine at codon 1737 is replaced by threonine, an amino acid with similar properties. This amino acid position is conserved. In addition, the in silico prediction for this alteration is inconclusive. Since supporting evidence is limited at this time, the clinical significance of this alteration remains unclear.

NM_017617.5(NOTCH1):c.5210T>C (p.Met1737Thr)

Gene: NOTCH1 (notch receptor 1; minus strand). Cytogenetic location: 9q34.3.
Variant type: single nucleotide variant.
Coding change: c.5210T>C on transcript NM_017617.5 (MANE Select); coding-DNA position 5210, T replaced by C.
Protein change: p.Met1737Thr; replaces methionine 1737 with threonine.
Molecular consequence: missense variant.
Genome position (GRCh38, 1-based): chr9:136,502,446, A>G on the plus strand (T>C on the coding strand, the complement: NOTCH1 is on the minus strand). VCF-style: chr9-136502446-A-G. GRCh37 (hg19) VCF-style: chr9-139396898-A-G.
Other names: short protein forms M1737T.
Identifiers: ClinVar variation 1746111 (VCV001746111.2), dbSNP rs2540431605, ClinGen allele CA375641016.